The following is an entry in ClinVar:

NM_001023.4(RPS20):c.4-14G>A

Gene: RPS20 (ribosomal protein S20; minus strand). Cytogenetic location: 8q12.1.
Variant type: single nucleotide variant.
Coding change: c.4-14G>A on transcript NM_001023.4 (MANE Select); 14 bases into the intron before coding-DNA position 4, G replaced by A.
Molecular consequence: intron variant.
Genome position (GRCh38, 1-based): chr8:56,074,173, C>T on the plus strand (G>A on the coding strand, the complement: RPS20 is on the minus strand). VCF-style: chr8-56074173-C-T. GRCh37 (hg19) VCF-style: chr8-56986732-C-T.
Other names: c.4-14G>A (NM_001146227.3).
Identifiers: ClinVar variation 2174871 (VCV002174871.5), dbSNP rs764208924, ClinGen allele CA177250538.

ClinVar aggregate classification (germline): Likely benign. Review status: criteria provided, multiple submitters, no conflicts (2 of 4 stars). 2 submissions from 2 submitters: Likely benign (2). Last evaluated 2026-07-31.

Conditions:
Familial colorectal cancer type X. Identifiers: Orphanet 440437, MedGen C3896578, MONDO:0018604.

Allele frequency attached by ClinVar (database versions not stated): gnomAD exomes 0.00001.
gnomAD v4.1: 17 of 1,604,424 alleles (0.0011%); highest among the groups gnomAD compares: Middle Eastern, 0.25%; no homozygotes.

Submissions (2):

Myriad Genetics, Inc.
Classification: Likely benign for Familial colorectal cancer type X. Last evaluated: 2026-07-31. Review status: criteria provided, single submitter. Criteria: Myriad Autosomal Dominant, Autosomal Recessive and X-Linked Classification Criteria (2023). Collection method: clinical testing. Allele origin: unknown.
Comment: This variant is considered likely benign. This variant is intronic and is not expected to impact mRNA splicing.

Labcorp Genetics (formerly Invitae), Labcorp
Classification: Likely benign. Last evaluated: 2022-06-10. Review status: criteria provided, single submitter. Criteria: Invitae Variant Classification Sherloc (09022015). Collection method: clinical testing. Allele origin: germline.